The following is an entry in ClinVar:

ClinVar aggregate classification (germline): Uncertain significance (1 of 4 stars; one submission).

Conditions:
Benign neonatal seizures. Also called: Benign familial neonatal epilepsy; Benign familial neonatal seizures; Convulsions benign familial neonatal dominant form; Autosomal dominant form of benign neonatal seizures; Benign neonatal familial convulsions. Identifiers: Orphanet 1949, MedGen C0220669, MONDO:0016027.

Submission:

Labcorp Genetics (formerly Invitae), Labcorp
Classification: Uncertain significance for Benign neonatal seizures. Last evaluated: 2023-12-14. Review status: criteria provided, single submitter. Criteria: Invitae Variant Classification Sherloc (09022015). Collection method: clinical testing. Allele origin: germline.
Comment: This variant results in a copy number gain of the genomic region encompassing exon(s) 2-15 of the KCNQ3 gene. This region includes the termination codon of the gene. This copy number gain extends beyond the assayed region for this gene and therefore may encompass additional genes. As the precise location of this event is unknown, it may be in tandem or it may be located elsewhere in the genome. This variant has not been reported in the literature in individuals affected with KCNQ3-related conditions. Experimental studies and prediction algorithms are not available or were not evaluated, and the functional significance of this variant is currently unknown. In summary, the available evidence is currently insufficient to determine the role of this variant in disease. Therefore, it has been classified as a Variant of Uncertain Significance.

NC_000008.10:g.(?_133141509)_(133198448_?)dup

Gene: KCNQ3 (potassium voltage-gated channel subfamily Q member 3; minus strand). Cytogenetic location: 8q24.22.
Variant type: Duplication.
Identifiers: ClinVar variation 1411207 (VCV001411207.5).